The following is an entry in ClinVar:

ClinVar aggregate classification (germline): Uncertain significance (1 of 4 stars; one submission).

Conditions:
Joubert syndrome 25 (JBTS25). Identifiers: Orphanet 475, MedGen C4084842, MONDO:0014770, OMIM 616781.

Submission:

Labcorp Genetics (formerly Invitae), Labcorp
Classification: Uncertain significance for Joubert syndrome 25. Last evaluated: 2025-09-05. Review status: criteria provided, single submitter. Criteria: Invitae Variant Classification Sherloc (09022015). Collection method: clinical testing. Allele origin: germline.
Comment: This sequence change replaces proline, which is neutral and non-polar, with leucine, which is neutral and non-polar, at codon 846 of the CEP104 protein (p.Pro846Leu). This variant is not present in population databases (gnomAD no frequency). This variant has not been reported in the literature in individuals affected with CEP104-related conditions. An algorithm developed to predict the effect of missense changes on protein structure and function (PolyPhen-2) suggests that this variant is likely to be disruptive. In summary, the available evidence is currently insufficient to determine the role of this variant in disease. Therefore, it has been classified as a Variant of Uncertain Significance.

NM_014704.4(CEP104):c.2537C>T (p.Pro846Leu)

Gene: CEP104 (centrosomal protein 104; minus strand). Cytogenetic location: 1p36.32.
Variant type: single nucleotide variant.
Coding change: c.2537C>T on transcript NM_014704.4 (MANE Select); coding-DNA position 2537, C replaced by T.
Protein change: p.Pro846Leu; replaces proline 846 with leucine.
Molecular consequence: missense variant.
Genome position (GRCh38, 1-based): chr1:3,823,208, G>A on the plus strand (C>T on the coding strand, the complement: CEP104 is on the minus strand). VCF-style: chr1-3823208-G-A. GRCh37 (hg19) VCF-style: chr1-3739772-G-A.
Other names: short protein forms P846L.
Identifiers: ClinVar variation 4705786 (VCV004705786.1).